The following is an entry in ClinVar:

NM_006012.4(CLPP):c.148G>A (p.Ala50Thr)

Gene: CLPP (caseinolytic mitochondrial matrix peptidase proteolytic subunit; plus strand). Cytogenetic location: 19p13.3.
Variant type: single nucleotide variant.
Coding change: c.148G>A on transcript NM_006012.4 (MANE Select); coding-DNA position 148, G replaced by A.
Protein change: p.Ala50Thr; replaces alanine 50 with threonine.
Molecular consequence: missense variant.
Genome position (GRCh38, 1-based): chr19:6,361,722, G>A. VCF-style: chr19-6361722-G-A. GRCh37 (hg19) VCF-style: chr19-6361733-G-A.
Other names: short protein forms A50T.
Identifiers: ClinVar variation 2442653 (VCV002442653.2), dbSNP rs1289950914, ClinGen allele CA403586459.

ClinVar aggregate classification (germline): Uncertain significance. Review status: criteria provided, multiple submitters, no conflicts (2 of 4 stars). 2 submissions from 2 submitters: Uncertain significance (2). Last evaluated 2024-10-06.

Conditions:
Inborn genetic diseases. Identifiers: MedGen C0950123, MeSH D030342.

Allele frequency attached by ClinVar (database versions not stated): gnomAD exomes 0.00001; TOPMed 0.00001; gnomAD 0.00001.
gnomAD v4.1: 12 of 1,505,482 alleles (0.0008%); highest among the groups gnomAD compares: Non-Finnish European, 0.0008%; no homozygotes.

Submissions (2):

Ambry Genetics
Classification: Uncertain significance for Inborn genetic diseases. Last evaluated: 2024-10-06. Review status: criteria provided, single submitter. Criteria: Ambry Variant Classification Scheme 2023. Collection method: clinical testing. Allele origin: germline.

GeneDx
Classification: Uncertain significance. Last evaluated: 2023-03-02. Review status: criteria provided, single submitter. Criteria: GeneDx Variant Classification Process June 2021. Collection method: clinical testing. Allele origin: germline. Affected: yes.
Comment: Not observed at significant frequency in large population cohorts (gnomAD); In silico analysis supports that this missense variant does not alter protein structure/function; Has not been previously published as pathogenic or benign to our knowledge